The following is an entry in ClinVar:

ClinVar aggregate classification (germline): Uncertain significance. Review status: criteria provided, multiple submitters, no conflicts (2 of 4 stars). 2 submissions from 2 submitters: Uncertain significance (2). Last evaluated 2025-06-18.

Conditions:
Inborn genetic diseases. Identifiers: MedGen C0950123, MeSH D030342.
Desbuquois dysplasia 1 (DBQD1). Also called: DESBUQUOIS DYSPLASIA 1, KIM VARIANT; MICROMELIC DWARFISM WITH VERTEBRAL AND METAPHYSEAL ABNORMALITIES AND ADVANCED CARPOTARSAL OSSIFICATION. Identifiers: Orphanet 1425, MedGen C4012146, MONDO:0009629, OMIM 251450.

Allele frequency attached by ClinVar (database versions not stated): gnomAD 0.00001 and 0.00003; ExAC 0.00002; gnomAD exomes 0.00002; TOPMed 0.00003.
gnomAD v4.1: 42 of 1,614,228 alleles (0.0026%); highest among the groups gnomAD compares: South Asian, 0.026%; no homozygotes.

Submissions (2):

Ambry Genetics
Classification: Uncertain significance for Inborn genetic diseases. Last evaluated: 2025-06-18. Review status: criteria provided, single submitter. Criteria: Ambry Variant Classification Scheme 2023. Collection method: clinical testing. Allele origin: germline.

Labcorp Genetics (formerly Invitae), Labcorp
Classification: Uncertain significance for Desbuquois dysplasia 1. Last evaluated: 2021-05-01. Review status: criteria provided, single submitter. Criteria: Invitae Variant Classification Sherloc (09022015). Collection method: clinical testing. Allele origin: germline.
Comment: In summary, the available evidence is currently insufficient to determine the role of this variant in disease. Therefore, it has been classified as a Variant of Uncertain Significance. Algorithms developed to predict the effect of missense changes on protein structure and function are either unavailable or do not agree on the potential impact of this missense change (SIFT: "Deleterious"; PolyPhen-2: "Possibly Damaging"; Align-GVGD: "Class C0"). This variant has not been reported in the literature in individuals with XYLT1-related conditions. This variant is present in population databases (rs767395762, ExAC 0.02%). This sequence change replaces valine with methionine at codon 823 of the XYLT1 protein (p.Val823Met). The valine residue is moderately conserved and there is a small physicochemical difference between valine and methionine.

NM_022166.4(XYLT1):c.2467G>A (p.Val823Met)

Gene: XYLT1 (xylosyltransferase 1; minus strand). Cytogenetic location: 16p12.3.
Variant type: single nucleotide variant.
Coding change: c.2467G>A on transcript NM_022166.4 (MANE Select); coding-DNA position 2467, G replaced by A.
Protein change: p.Val823Met; replaces valine 823 with methionine.
Molecular consequence: missense variant.
Genome position (GRCh38, 1-based): chr16:17,117,736, C>T on the plus strand (G>A on the coding strand, the complement: XYLT1 is on the minus strand). VCF-style: chr16-17117736-C-T. GRCh37 (hg19) VCF-style: chr16-17211593-C-T.
Other names: c.2467G>A (NM_022166.3); short protein forms V823M.
Identifiers: ClinVar variation 1519558 (VCV001519558.8), dbSNP rs767395762, ClinGen allele CA7927571.